The following is an entry in ClinVar:

ClinVar aggregate classification (germline): Uncertain significance. Review status: criteria provided, multiple submitters, no conflicts (2 of 4 stars). 2 submissions from 2 submitters: Uncertain significance (2). Last evaluated 2026-01-09.

Conditions:
Neuronopathy, distal hereditary motor, type 2C. Also called: HMN IIC; NEUROPATHY, DISTAL HEREDITARY MOTOR, AUTOSOMAL DOMINANT 4; NEURONOPATHY, DISTAL HEREDITARY MOTOR, HARDING TYPE IIC; NEUROPATHY, DISTAL HEREDITARY MOTOR, HARDING TYPE IIC. Identifiers: Orphanet 139525, MedGen C3150619, MONDO:0013243, OMIM 613376.

Allele frequency attached by ClinVar (database versions not stated): ExAC 0.00001; gnomAD 0.00002 and 0.00003; gnomAD exomes 0.00003; TOPMed 0.00003.
gnomAD v4.1: 45 of 1,613,964 alleles (0.0028%); highest among the groups gnomAD compares: Non-Finnish European, 0.0036%; no homozygotes.

Submissions (2):

Labcorp Genetics (formerly Invitae), Labcorp
Classification: Uncertain significance for Neuronopathy, distal hereditary motor, type 2C. Last evaluated: 2026-01-09. Review status: criteria provided, single submitter. Criteria: Invitae Variant Classification Sherloc (09022015). Collection method: clinical testing. Allele origin: germline.
Comment: This sequence change creates a premature translational stop signal (p.Arg23*) in the HSPB3 gene. While this is not anticipated to result in nonsense mediated decay, it is expected to disrupt the last 128 amino acid(s) of the HSPB3 protein. This variant is present in population databases (rs755999042, gnomAD 0.005%). This variant has not been reported in the literature in individuals affected with HSPB3-related conditions. ClinVar contains an entry for this variant (Variation ID: 906393). Experimental studies and prediction algorithms are not available or were not evaluated, and the functional significance of this variant is currently unknown. In summary, the available evidence is currently insufficient to determine the role of this variant in disease. Therefore, it has been classified as a Variant of Uncertain Significance.

Illumina Laboratory Services, Illumina
Classification: Uncertain significance for Neuronopathy, distal hereditary motor, type 2C. Last evaluated: 2018-11-30. Review status: criteria provided, single submitter. Criteria: ICSL Variant Classification Criteria 13 December 2019. Collection method: clinical testing. Allele origin: germline.

NM_006308.3(HSPB3):c.67C>T (p.Arg23Ter)

Gene: HSPB3 (heat shock protein family B (small) member 3; plus strand). Cytogenetic location: 5q11.2.
Variant type: single nucleotide variant.
Coding change: c.67C>T on transcript NM_006308.3 (MANE Select); coding-DNA position 67, C replaced by T.
Protein change: p.Arg23Ter; replaces arginine 23 with a stop codon.
Molecular consequence: nonsense.
Genome position (GRCh38, 1-based): chr5:54,455,856, C>T. VCF-style: chr5-54455856-C-T. GRCh37 (hg19) VCF-style: chr5-53751686-C-T.
Other names: short protein forms R23*.
Identifiers: ClinVar variation 906393 (VCV000906393.7), dbSNP rs755999042, ClinGen allele CA3264602.